The following is an entry in ClinVar:

NM_022114.4(PRDM16):c.91A>G (p.Ser31Gly)

Gene: PRDM16 (PR/SET domain 16; plus strand). Cytogenetic location: 1p36.32.
Variant type: single nucleotide variant.
Coding change: c.91A>G on transcript NM_022114.4 (MANE Select); coding-DNA position 91, A replaced by G.
Protein change: p.Ser31Gly; replaces serine 31 with glycine.
Molecular consequence: missense variant.
Genome position (GRCh38, 1-based): chr1:3,186,178, A>G. VCF-style: chr1-3186178-A-G. GRCh37 (hg19) VCF-style: chr1-3102742-A-G.
Other names: c.91A>G, p.Ser31Gly (NM_199454.3); short protein forms S31G.
Identifiers: ClinVar variation 654772 (VCV000654772.8), dbSNP rs1569798407, ClinGen allele CA338215361.

ClinVar aggregate classification (germline): Uncertain significance (1 of 4 stars; one submission).

Conditions:
Left ventricular noncompaction 8 (LVNC8). Identifiers: Orphanet 154, Orphanet 54260, MedGen C3809288, MONDO:0014152, OMIM 615373.

Allele frequency attached by ClinVar (database versions not stated): gnomAD exomes below 0.00001.
gnomAD v4.1: 1 of 1,612,894 alleles (0.000062%); highest among the groups gnomAD compares: East Asian, 0.0022%; no homozygotes.

Submission:

Labcorp Genetics (formerly Invitae), Labcorp
Classification: Uncertain significance for Left ventricular noncompaction 8. Last evaluated: 2018-11-12. Review status: criteria provided, single submitter. Criteria: Invitae Variant Classification Sherloc (09022015). Collection method: clinical testing. Allele origin: germline.
Comment: This sequence change replaces serine with glycine at codon 31 of the PRDM16 protein (p.Ser31Gly). The serine residue is weakly conserved and there is a small physicochemical difference between serine and glycine. In summary, the available evidence is currently insufficient to determine the role of this variant in disease. Therefore, it has been classified as a Variant of Uncertain Significance. Algorithms developed to predict the effect of missense changes on protein structure and function output the following: SIFT: "Tolerated"; PolyPhen-2: "Benign"; Align-GVGD: "Class C0". The glycine amino acid residue is found in multiple mammalian species, suggesting that this missense change does not adversely affect protein function. These predictions have not been confirmed by published functional studies and their clinical significance is uncertain. This variant has not been reported in the literature in individuals with PRDM16-related disease. This variant is not present in population databases (ExAC no frequency).